The following is an entry in ClinVar:

NM_000542.5(SFTPB):c.715C>T (p.Pro239Ser)

Gene: SFTPB (surfactant protein B; minus strand). Cytogenetic location: 2p11.2.
Variant type: single nucleotide variant.
Coding change: c.715C>T on transcript NM_000542.5 (MANE Select); coding-DNA position 715, C replaced by T.
Protein change: p.Pro239Ser; replaces proline 239 with serine.
Molecular consequence: missense variant.
Genome position (GRCh38, 1-based): chr2:85,663,805, G>A on the plus strand (C>T on the coding strand, the complement: SFTPB is on the minus strand). VCF-style: chr2-85663805-G-A. GRCh37 (hg19) VCF-style: chr2-85890928-G-A.
Other names: c.715C>T, p.Pro239Ser (NM_001367281.2, NM_198843.4); short protein forms P239S.
Identifiers: ClinVar variation 3665025 (VCV003665025.2).

ClinVar aggregate classification (germline): Uncertain significance (1 of 4 stars; one submission).

gnomAD v4.1: 1 of 1,600,796 alleles (0.000062%); highest among the groups gnomAD compares: East Asian, 0.0023%; no homozygotes.

Submission:

Labcorp Genetics (formerly Invitae), Labcorp
Classification: Uncertain significance. Last evaluated: 2024-10-22. Review status: criteria provided, single submitter. Criteria: Invitae Variant Classification Sherloc (09022015). Collection method: clinical testing. Allele origin: germline.
Comment: This sequence change replaces proline, which is neutral and non-polar, with serine, which is neutral and polar, at codon 251 of the SFTPB protein (p.Pro251Ser). This variant is not present in population databases (gnomAD no frequency). This variant has not been reported in the literature in individuals affected with SFTPB-related conditions. Invitae Evidence Modeling of protein sequence and biophysical properties (such as structural, functional, and spatial information, amino acid conservation, physicochemical variation, residue mobility, and thermodynamic stability) indicates that this missense variant is expected to disrupt SFTPB protein function with a positive predictive value of 80%. In summary, the available evidence is currently insufficient to determine the role of this variant in disease. Therefore, it has been classified as a Variant of Uncertain Significance.